The following is an entry in ClinVar:

NM_002397.5(MEF2C):c.236G>C (p.Arg79Pro)

Gene: MEF2C (myocyte enhancer factor 2C; minus strand). Cytogenetic location: 5q14.3.
Variant type: single nucleotide variant.
Coding change: c.236G>C on transcript NM_002397.5 (MANE Select); coding-DNA position 236, G replaced by C.
Protein change: p.Arg79Pro; replaces arginine 79 with proline.
Molecular consequence: missense variant.
Genome position (GRCh38, 1-based): chr5:88,804,620, C>G on the plus strand (G>C on the coding strand, the complement: MEF2C is on the minus strand). VCF-style: chr5-88804620-C-G. GRCh37 (hg19) VCF-style: chr5-88100437-C-G.
Other names: c.236G>C, p.Arg79Pro (NM_001364335.2, NM_001364336.2, NM_001364337.2 and 29 more transcripts); short protein forms R79P.
Identifiers: ClinVar variation 546222 (VCV000546222.2), dbSNP rs1554139693, ClinGen allele CA360424804.

ClinVar aggregate classification (germline): Likely pathogenic (1 of 4 stars; one submission).

Submission:

GeneDx
Classification: Likely pathogenic. Last evaluated: 2018-05-09. Review status: criteria provided, single submitter. Criteria: GeneDx Variant Classification (06012015). Collection method: clinical testing. Allele origin: germline. Affected: yes.
Comment: The R79P variant in the MEF2C gene has not been reported previously as a pathogenic variant, nor as a benign variant, to our knowledge. The R79P variant is not observed in large population cohorts (Lek et al., 2016). The R79P variant is a non-conservative amino acid substitution, which is likely to impact secondary protein structure as these residues differ in polarity, charge, size and/or other properties. In-silico analyses, including protein predictors and evolutionary conservation, support a deleterious effect. We interpret R79P as a likely pathogenic variant.